The following is an entry in ClinVar:

ClinVar aggregate classification (germline): Uncertain significance (1 of 4 stars; one submission).

Allele frequency attached by ClinVar (database versions not stated): gnomAD exomes below 0.00001; gnomAD 0.00001; TOPMed 0.00001.
gnomAD v4.1: 3 of 1,613,370 alleles (0.00019%); highest among the groups gnomAD compares: African/African-American, 0.004%; no homozygotes.

Submission:

GeneDx
Classification: Uncertain significance. Last evaluated: 2022-02-28. Review status: criteria provided, single submitter. Criteria: GeneDx Variant Classification Process June 2021. Collection method: clinical testing. Allele origin: germline. Affected: yes.
Comment: In silico analysis supports that this missense variant has a deleterious effect on protein structure/function; Has not been previously published as pathogenic or benign to our knowledge; Variants in candidate genes are classified as variants of uncertain significance in accordance with ACMG guidelines (Richards et al., 2015)

NM_001206927.2(DNAH8):c.13701C>G (p.Phe4567Leu)

Gene: DNAH8 (dynein axonemal heavy chain 8; plus strand). Cytogenetic location: 6p21.2.
Variant type: single nucleotide variant.
Coding change: c.13701C>G on transcript NM_001206927.2 (MANE Select); coding-DNA position 13701, C replaced by G.
Protein change: p.Phe4567Leu; replaces phenylalanine 4567 with leucine.
Molecular consequence: missense variant.
Genome position (GRCh38, 1-based): chr6:39,012,624, C>G. VCF-style: chr6-39012624-C-G. GRCh37 (hg19) VCF-style: chr6-38980400-C-G.
Other names: c.13050C>G, p.Phe4350Leu (NM_001371.4); short protein forms F4350L, F4567L.
Identifiers: ClinVar variation 1704094 (VCV001704094.2), dbSNP rs1404091935, ClinGen allele CA363995216.
Genomic context (GRCh38, chr6:39,012,624, plus strand): 5'-TGCTCAGTTTTCTACGTGGATATTTGAAGGGAGGCCTAATGTGTTTTGGATGACTGGTTT[C>G]TTTAATCCCCAAGGTATGTGCTCATAGGAGATTTGGCAAGCTTGGAATTTGTGTATTGTT-3'
Protein context (NP_001193856.1, residues 4557-4577): GRPNVFWMTG[Phe4567Leu]FNPQGFLTAM